The following is an entry in ClinVar:

ClinVar aggregate classification (germline): Conflicting classifications of pathogenicity. Review status: criteria provided, conflicting classifications (1 of 4 stars). 2 submissions from 2 submitters: Uncertain significance (1); Likely benign (1). Last evaluated 2025-11-26.

Conditions:
Inborn genetic diseases. Identifiers: MedGen C0950123, MeSH D030342.

Allele frequency attached by ClinVar (database versions not stated): gnomAD exomes below 0.00001; gnomAD 0.00001.
gnomAD v4.1: 3 of 1,614,062 alleles (0.00019%); highest among the groups gnomAD compares: Non-Finnish European, 0.00025%; no homozygotes.

Submissions (2):

Labcorp Genetics (formerly Invitae), Labcorp
Classification: Uncertain significance. Last evaluated: 2025-11-26. Review status: criteria provided, single submitter. Criteria: Invitae Variant Classification Sherloc (09022015). Collection method: clinical testing. Allele origin: germline.
Comment: This sequence change replaces threonine, which is neutral and polar, with alanine, which is neutral and non-polar, at codon 374 of the ALPK1 protein (p.Thr374Ala). This variant is present in population databases (no rsID available, gnomAD 0.0009%). This variant has not been reported in the literature in individuals affected with ALPK1-related conditions. ClinVar contains an entry for this variant (Variation ID: 2338724). Invitae Evidence Modeling of protein sequence and biophysical properties (such as structural, functional, and spatial information, amino acid conservation, physicochemical variation, residue mobility, and thermodynamic stability) indicates that this missense variant is not expected to disrupt ALPK1 protein function with a negative predictive value of 80%. In summary, the available evidence is currently insufficient to determine the role of this variant in disease. Therefore, it has been classified as a Variant of Uncertain Significance.

Ambry Genetics
Classification: Likely benign for Inborn genetic diseases. Last evaluated: 2022-12-21. Review status: criteria provided, single submitter. Criteria: Ambry Variant Classification Scheme 2023. Collection method: clinical testing. Allele origin: germline.

NM_025144.4(ALPK1):c.1120A>G (p.Thr374Ala)

Gene: ALPK1 (alpha kinase 1; plus strand). Cytogenetic location: 4q25.
Variant type: single nucleotide variant.
Coding change: c.1120A>G on transcript NM_025144.4 (MANE Select); coding-DNA position 1120, A replaced by G.
Protein change: p.Thr374Ala; replaces threonine 374 with alanine.
Molecular consequence: missense variant.
Genome position (GRCh38, 1-based): chr4:112,430,667, A>G. VCF-style: chr4-112430667-A-G. GRCh37 (hg19) VCF-style: chr4-113351823-A-G.
Other names: c.1120A>G, p.Thr374Ala (NM_001102406.2); c.886A>G, p.Thr296Ala (NM_001253884.2); short protein forms T296A, T374A.
Identifiers: ClinVar variation 2338724 (VCV002338724.5), dbSNP rs1236292404, ClinGen allele CA357893644.